The following is an entry in ClinVar:

NM_015375.3(DSTYK):c.165C>G (p.Ile55Met)

Gene: DSTYK (dual serine/threonine and tyrosine protein kinase; minus strand). Cytogenetic location: 1q32.1.
Variant type: single nucleotide variant.
Coding change: c.165C>G on transcript NM_015375.3 (MANE Select); coding-DNA position 165, C replaced by G.
Protein change: p.Ile55Met; replaces isoleucine 55 with methionine.
Molecular consequence: missense variant.
Genome position (GRCh38, 1-based): chr1:205,211,371, G>C on the plus strand (C>G on the coding strand, the complement: DSTYK is on the minus strand). VCF-style: chr1-205211371-G-C. GRCh37 (hg19) VCF-style: chr1-205180499-G-C.
Other names: c.165C>G, p.Ile55Met (NM_199462.3); short protein forms I55M.
Identifiers: ClinVar variation 3505595 (VCV003505595.3).

ClinVar aggregate classification (germline): Uncertain significance. Review status: criteria provided, multiple submitters, no conflicts (2 of 4 stars). 2 submissions from 2 submitters: Uncertain significance (2). Last evaluated 2024-07-23.

gnomAD v4.1: 56 of 1,612,546 alleles (0.0035%); highest among the groups gnomAD compares: Non-Finnish European, 0.0044%; no homozygotes.

Submissions (2):

Ambry Genetics
Classification: Uncertain significance. Last evaluated: 2024-07-23. Review status: criteria provided, single submitter. Criteria: Ambry Variant Classification Scheme 2023. Collection method: clinical testing. Allele origin: germline.

Labcorp Genetics (formerly Invitae), Labcorp
Classification: Uncertain significance. Last evaluated: 2024-05-02. Review status: criteria provided, single submitter. Criteria: Invitae Variant Classification Sherloc (09022015). Collection method: clinical testing. Allele origin: germline.
Comment: This sequence change replaces isoleucine, which is neutral and non-polar, with methionine, which is neutral and non-polar, at codon 55 of the DSTYK protein (p.Ile55Met). This variant is present in population databases (rs749146065, gnomAD 0.008%). This variant has not been reported in the literature in individuals affected with DSTYK-related conditions. An algorithm developed to predict the effect of missense changes on protein structure and function (PolyPhen-2) suggests that this variant is likely to be tolerated. In summary, the available evidence is currently insufficient to determine the role of this variant in disease. Therefore, it has been classified as a Variant of Uncertain Significance.